The following is an entry in ClinVar:

ClinVar aggregate classification (germline): Uncertain significance (1 of 4 stars; one submission).

gnomAD v4.1: 1 of 1,593,580 alleles (0.000063%); highest among the groups gnomAD compares: Non-Finnish European, 0.000085%; no homozygotes.

Submission:

Labcorp Genetics (formerly Invitae), Labcorp
Classification: Uncertain significance. Last evaluated: 2025-09-14. Review status: criteria provided, single submitter. Criteria: Invitae Variant Classification Sherloc (09022015). Collection method: clinical testing. Allele origin: germline.
Comment: This sequence change replaces glycine, which is neutral and non-polar, with valine, which is neutral and non-polar, at codon 1380 of the ALPK3 protein (p.Gly1380Val). This variant is not present in population databases (gnomAD no frequency). This variant has not been reported in the literature in individuals affected with ALPK3-related conditions. Invitae Evidence Modeling of protein sequence and biophysical properties (such as structural, functional, and spatial information, amino acid conservation, physicochemical variation, residue mobility, and thermodynamic stability) indicates that this missense variant is not expected to disrupt ALPK3 protein function with a negative predictive value of 80%. In summary, the available evidence is currently insufficient to determine the role of this variant in disease. Therefore, it has been classified as a Variant of Uncertain Significance.

NM_020778.5(ALPK3):c.3533G>T (p.Gly1178Val)

Gene: ALPK3 (alpha kinase 3; plus strand). Cytogenetic location: 15q25.3.
Variant type: single nucleotide variant.
Coding change: c.3533G>T on transcript NM_020778.5 (MANE Select); coding-DNA position 3533, G replaced by T.
Protein change: p.Gly1178Val; replaces glycine 1178 with valine.
Molecular consequence: missense variant.
Genome position (GRCh38, 1-based): chr15:84,858,271, G>T. VCF-style: chr15-84858271-G-T. GRCh37 (hg19) VCF-style: chr15-85401502-G-T.
Other names: short protein forms G1178V.
Identifiers: ClinVar variation 4746452 (VCV004746452.1).